The following is an entry in ClinVar:

NC_000017.10:g.(41197820_41199659)_(41277382_?)del

Gene: BRCA1 (BRCA1 DNA repair associated; minus strand). Cytogenetic location: 17q21.31.
Variant type: Deletion.
Identifiers: ClinVar variation 4525940 (VCV004525940.1).

ClinVar aggregate classification (germline): Pathogenic (1 of 4 stars; one submission).

Conditions:
Hereditary breast ovarian cancer syndrome. Also called: Hereditary breast and ovarian cancer syndrome; BRCA1- and BRCA2-Associated Hereditary Breast and Ovarian Cancer; Hereditary breast and ovarian cancer; Hereditary breast and ovarian cancer syndrome (HBOC); Breast and ovarian cancer; Hereditary breast and/or ovarian cancer syndrome. Identifiers: Orphanet 145, MedGen C0677776, MeSH D061325, MONDO:0003582. Disease mechanism: loss of function.

Submission:

Women's Health and Genetics/Laboratory Corporation of America, LabCorp
Classification: Pathogenic for Hereditary breast ovarian cancer syndrome. Last evaluated: 2025-07-14. Review status: criteria provided, single submitter. Criteria: LabCorp Variant Classification Summary - May 2015. Collection method: clinical testing. Allele origin: germline.
Comment: Variant summary: The variant involves the deletion of exons 1-22 in the BRCA1 gene. A presumed nomenclature of c.(?_-114)_(5467+1_5468-1)del has been designated for the purposes of this classification. The exact breakpoint at the 5' end of this variant is unknown, therefore this deletion may extend upstream of the annotated region of this gene. Although the exact breakpoints of this deletion are not known, it is predicted to remove the initiation codon and result in an absence of protein or a truncation of the encoded protein due to translation initiation at a downstream site. The variant was absent in 125186 control chromosomes in the gnomAD database (Structural Variants v4.1 dataset). Deletion of exons 1-22 has been observed in multiple individuals affected with Hereditary Breast And Ovarian Cancer Syndrome (e.g. Casilli_2002, Susswein_2015, Rebbeck_2018). These data indicate that the variant is very likely to be associated with disease. To our knowledge, no experimental evidence demonstrating an impact on protein function has been reported. The following publications have been ascertained in the context of this evaluation (PMID: 12203994, 14961556, 17470134, 20232141, 26681312, 29446198). ClinVar contains an entry for this variant (Variation ID: 651258). Based on the evidence outlined above, the variant was classified as pathogenic.

Literature cited by the submitters: PubMed 20232141; PubMed 17470134; PubMed 26681312; PubMed 12203994; PubMed 14961556; PubMed 29446198.